The following is an entry in ClinVar:

ClinVar aggregate classification (germline): Uncertain significance (1 of 4 stars; one submission).

Submission:

Labcorp Genetics (formerly Invitae), Labcorp
Classification: Uncertain significance. Last evaluated: 2023-05-21. Review status: criteria provided, single submitter. Criteria: Invitae Variant Classification Sherloc (09022015). Collection method: clinical testing. Allele origin: germline.
Comment: In summary, the available evidence is currently insufficient to determine the role of this variant in disease. Therefore, it has been classified as a Variant of Uncertain Significance. Experimental studies and prediction algorithms are not available or were not evaluated, and the functional significance of this variant is currently unknown. This variant has not been reported in the literature in individuals affected with EYS-related conditions. This variant is present in population databases (no rsID available, gnomAD 0.007%). This variant, c.6958_6960del, results in the deletion of 1 amino acid(s) of the EYS protein (p.Phe2320del), but otherwise preserves the integrity of the reading frame.

NM_001142800.2(EYS):c.6955TTC[1] (p.Phe2320del)

Gene: EYS (eyes shut homolog; minus strand). Cytogenetic location: 6q12.
Variant type: Microsatellite.
Coding change: c.6955TTC[1] on transcript NM_001142800.2 (MANE Select); one copy of the 3-base unit TTC starting at c.6955; the reference has two copies in a row; one copy, 3 bases deleted.
Protein change: p.Phe2320del; deletes phenylalanine 2320.
Molecular consequence: inframe deletion.
Genome position (GRCh38, 1-based): chr6:63,984,478-63,984,480, GAA deleted on the plus strand (TTC on the coding strand, the reverse complement: EYS is on the minus strand); deleting any 3 consecutive bases within chr6:63,984,478-63,984,483 gives the same sequence; the position shown is the placement nearest the transcript's 3' end. VCF-style (leftmost placement, unchanged base first): chr6-63984477-TGAA-T. GRCh37 (hg19) VCF-style: chr6-64694370-TGAA-T.
Other names: c.6955TTC[1], p.Phe2320del (NM_001292009.2); short protein forms F2320del.
Identifiers: ClinVar variation 2980194 (VCV002980194.1), dbSNP rs1182896761, ClinGen allele CA568119117.